The following is an entry in ClinVar:

ClinVar aggregate classification (germline): Uncertain significance (1 of 4 stars; one submission).

Submission:

Ambry Genetics
Classification: Uncertain significance. Last evaluated: 2026-04-28. Review status: criteria provided, single submitter. Criteria: Ambry Variant Classification Scheme 2023. Collection method: clinical testing. Allele origin: germline.
Comment: The p.S382C variant (also known as c.1145C>G), located in coding exon 2 of the CDK12 gene, results from a C to G substitution at nucleotide position 1145. The serine at codon 382 is replaced by cysteine, an amino acid with dissimilar properties. This amino acid position is conserved. In addition, this alteration is predicted to be tolerated by in silico analysis. Based on the available evidence, the clinical significance of this variant remains unclear.

NM_016507.4(CDK12):c.1145C>G (p.Ser382Cys)

Gene: CDK12 (cyclin dependent kinase 12; plus strand). Cytogenetic location: 17q12.
Variant type: single nucleotide variant.
Coding change: c.1145C>G on transcript NM_016507.4 (MANE Select); coding-DNA position 1145, C replaced by G.
Protein change: p.Ser382Cys; replaces serine 382 with cysteine.
Molecular consequence: missense variant.
Genome position (GRCh38, 1-based): chr17:39,470,977, C>G. VCF-style: chr17-39470977-C-G. GRCh37 (hg19) VCF-style: chr17-37627230-C-G.
Other names: c.1145C>G, p.Ser382Cys (NM_015083.4); short protein forms S382C.
Identifiers: ClinVar variation 4868515 (VCV004868515.1).